The following is an entry in ClinVar:

NM_033109.5(PNPT1):c.1937C>T (p.Thr646Met)

Gene: PNPT1 (polyribonucleotide nucleotidyltransferase 1; minus strand). Cytogenetic location: 2p16.1.
Variant type: single nucleotide variant.
Coding change: c.1937C>T on transcript NM_033109.5 (MANE Select); coding-DNA position 1937, C replaced by T.
Protein change: p.Thr646Met; replaces threonine 646 with methionine.
Molecular consequence: missense variant.
Genome position (GRCh38, 1-based): chr2:55,643,395, G>A on the plus strand (C>T on the coding strand, the complement: PNPT1 is on the minus strand). VCF-style: chr2-55643395-G-A. GRCh37 (hg19) VCF-style: chr2-55870530-G-A.
Other names: short protein forms T646M.
Identifiers: ClinVar variation 1465695 (VCV001465695.6), dbSNP rs758915545, ClinGen allele CA1667865.

ClinVar aggregate classification (germline): Uncertain significance (1 of 4 stars; one submission).

Allele frequency attached by ClinVar (database versions not stated): ExAC 0.00001; gnomAD exomes 0.00001.
gnomAD v4.1: 7 of 1,613,892 alleles (0.00043%); highest among the groups gnomAD compares: East Asian, 0.0022%; no homozygotes.

Submission:

Labcorp Genetics (formerly Invitae), Labcorp
Classification: Uncertain significance. Last evaluated: 2021-11-23. Review status: criteria provided, single submitter. Criteria: Invitae Variant Classification Sherloc (09022015). Collection method: clinical testing. Allele origin: germline.
Comment: This sequence change replaces threonine, which is neutral and polar, with methionine, which is neutral and non-polar, at codon 646 of the PNPT1 protein (p.Thr646Met). This variant is present in population databases (rs758915545, gnomAD 0.01%). This variant has not been reported in the literature in individuals affected with PNPT1-related conditions. Advanced modeling of protein sequence and biophysical properties (such as structural, functional, and spatial information, amino acid conservation, physicochemical variation, residue mobility, and thermodynamic stability) performed at Invitae indicates that this missense variant is expected to disrupt PNPT1 protein function. In summary, the available evidence is currently insufficient to determine the role of this variant in disease. Therefore, it has been classified as a Variant of Uncertain Significance.